The following is an entry in ClinVar:

NM_005896.4(IDH1):c.548A>G (p.Tyr183Cys)

Gene: IDH1 (isocitrate dehydrogenase (NADP(+)) 1; minus strand). Cytogenetic location: 2q34.
Variant type: single nucleotide variant.
Coding change: c.548A>G on transcript NM_005896.4 (MANE Select); coding-DNA position 548, A replaced by G.
Protein change: p.Tyr183Cys; replaces tyrosine 183 with cysteine.
Molecular consequence: missense variant.
Genome position (GRCh38, 1-based): chr2:208,243,577, T>C on the plus strand (A>G on the coding strand, the complement: IDH1 is on the minus strand). VCF-style: chr2-208243577-T-C. GRCh37 (hg19) VCF-style: chr2-209108301-T-C.
Other names: c.548A>G (NM_005896.3); c.548A>G, p.Tyr183Cys (NM_001282386.1, NM_001282387.1); short protein forms Y183C.
Identifiers: ClinVar variation 134517 (VCV000134517.26), dbSNP rs34599179, ClinGen allele CA160042.

ClinVar aggregate classification (germline): Benign. Review status: criteria provided, single submitter (1 of 4 stars). 3 submissions from 3 submitters: Benign (1). 2 of the submissions do not count toward it. Last evaluated 2026-07-01.

Conditions:
IDH1-related disorder. Also called: IDH1-related condition.

Allele frequency attached by ClinVar (database versions not stated): 1000 Genomes Project 30x 0.00328; 1000 Genomes Project 0.00359; TOPMed 0.00614; ESP Exome Variant Server 0.00846; gnomAD 0.00867 and 0.00899; gnomAD exomes 0.00972 and 0.01155; ExAC 0.01055.
gnomAD v4.1: 18,016 of 1,613,870 alleles (1.1%); highest among the groups gnomAD compares: Non-Finnish European, 1.3%; 159 homozygotes.

Submissions (3):

CeGaT Center for Human Genetics Tuebingen
Classification: Benign. Last evaluated: 2026-07-01. Review status: criteria provided, single submitter. Criteria: CeGaT Center For Human Genetics Tuebingen Variant Classification Criteria Version 2. Collection method: clinical testing. Allele origin: germline. Affected: yes. Observed: 9 variant alleles.
Comment: IDH1: BS1, BS2

PreventionGenetics, part of Exact Sciences
Classification: Benign for IDH1-related condition. Last evaluated: 2019-11-18. Review status: no assertion criteria provided. Collection method: clinical testing. Allele origin: germline. Not counted in ClinVar's aggregate classification.
Comment: This variant is classified as benign based on ACMG/AMP sequence variant interpretation guidelines (Richards et al. 2015 PMID: 25741868, with internal and published modifications).

ITMI
No classification provided. Condition: AllHighlyPenetrant. Last evaluated: 2013-09-19. Review status: no classification provided. Collection method: reference population. Allele origin: germline. Not counted in ClinVar's aggregate classification.
Comment: Please see associated publication for description of ethnicities

Literature cited by the submitters: PubMed 24728327 (cited by ITMI).